The following is an entry in ClinVar:

NM_006922.4(SCN3A):c.5696A>T (p.Gln1899Leu)

Gene: SCN3A (sodium voltage-gated channel alpha subunit 3; minus strand). Cytogenetic location: 2q24.3.
Variant type: single nucleotide variant.
Coding change: c.5696A>T on transcript NM_006922.4 (MANE Select); coding-DNA position 5696, A replaced by T.
Protein change: p.Gln1899Leu; replaces glutamine 1899 with leucine.
Molecular consequence: missense variant.
Genome position (GRCh38, 1-based): chr2:165,090,457, T>A on the plus strand (A>T on the coding strand, the complement: SCN3A is on the minus strand). VCF-style: chr2-165090457-T-A. GRCh37 (hg19) VCF-style: chr2-165946967-T-A.
Other names: c.5549A>T, p.Gln1850Leu (NM_001081676.2, NM_001081677.2); short protein forms Q1850L, Q1899L.
Identifiers: ClinVar variation 1206641 (VCV001206641.10), dbSNP rs950595171, ClinGen allele CA59708208.
Genomic context (GRCh38, chr2:165,090,457, plus strand): 5'-CTTTGCTTTAAAAGATAACATCTGAAATTACGCTGAATGATAGCGGCAGACACCTCCTCT[T>A]GTTTACGTTTCAAAGTGGTTGTAATAGGCTCATAAGAGACTTTGGAGGGGTTTGATGCCA-3'
Protein context (NP_008853.3, residues 1889-1909): EPITTTLKRK[Gln1899Leu]EEVSAAIIQR

ClinVar aggregate classification (germline): Uncertain significance. Review status: criteria provided, multiple submitters, no conflicts (2 of 4 stars). 2 submissions from 2 submitters: Uncertain significance (2). Last evaluated 2025-09-24.

Allele frequency attached by ClinVar (database versions not stated): gnomAD exomes below 0.00001; gnomAD 0.00002 and 0.00004; TOPMed 0.00005.
gnomAD v4.1: 5 of 1,613,956 alleles (0.00031%); highest among the groups gnomAD compares: African/African-American, 0.0067%; no homozygotes.

Submissions (2):

Labcorp Genetics (formerly Invitae), Labcorp
Classification: Uncertain significance. Last evaluated: 2025-09-24. Review status: criteria provided, single submitter. Criteria: Invitae Variant Classification Sherloc (09022015). Collection method: clinical testing. Allele origin: germline.
Comment: This sequence change replaces glutamine, which is neutral and polar, with leucine, which is neutral and non-polar, at codon 1899 of the SCN3A protein (p.Gln1899Leu). This variant is present in population databases (no rsID available, gnomAD 0.01%). This variant has not been reported in the literature in individuals affected with SCN3A-related conditions. ClinVar contains an entry for this variant (Variation ID: 1206641). Invitae Evidence Modeling of protein sequence and biophysical properties (such as structural, functional, and spatial information, amino acid conservation, physicochemical variation, residue mobility, and thermodynamic stability) indicates that this missense variant is not expected to disrupt SCN3A protein function with a negative predictive value of 95%. In summary, the available evidence is currently insufficient to determine the role of this variant in disease. Therefore, it has been classified as a Variant of Uncertain Significance.

GeneDx
Classification: Uncertain significance. Last evaluated: 2024-10-15. Review status: criteria provided, single submitter. Criteria: GeneDx Variant Classification Process June 2021. Collection method: clinical testing. Allele origin: germline. Affected: yes.
Comment: Not observed at significant frequency in large population cohorts (gnomAD); In silico analysis supports that this missense variant has a deleterious effect on protein structure/function; Has not been previously published as pathogenic or benign to our knowledge